The following is an entry in ClinVar:

NM_002637.4(PHKA1):c.536C>T (p.Ala179Val)

Gene: PHKA1 (phosphorylase kinase regulatory subunit alpha 1; minus strand). Cytogenetic location: Xq13.1.
Variant type: single nucleotide variant.
Coding change: c.536C>T on transcript NM_002637.4 (MANE Select); coding-DNA position 536, C replaced by T.
Protein change: p.Ala179Val; replaces alanine 179 with valine.
Molecular consequence: missense variant.
Genome position (GRCh38, 1-based): chrX:72,684,499, G>A on the plus strand (C>T on the coding strand, the complement: PHKA1 is on the minus strand). VCF-style: chrX-72684499-G-A. GRCh37 (hg19) VCF-style: chrX-71904349-G-A.
Other names: c.536C>T, p.Ala179Val (NM_001122670.2, NM_001172436.2); short protein forms A179V.
Identifiers: ClinVar variation 913677 (VCV000913677.12), dbSNP rs199608903, ClinGen allele CA10451049.

ClinVar aggregate classification (germline): Conflicting classifications of pathogenicity. Review status: criteria provided, conflicting classifications (1 of 4 stars). 6 submissions from 6 submitters: Uncertain significance (5); Benign (1). Last evaluated 2025-02-21.

Conditions:
Glycogen storage disease IXd (GSD9D). Also called: GSD IXd; Muscle Phosphorylase Kinase Deficiency. Identifiers: Orphanet 715, MedGen C1845151, MONDO:0010362, OMIM 300559.
Inborn genetic diseases. Identifiers: MedGen C0950123, MeSH D030342.

Allele frequency attached by ClinVar (database versions not stated): gnomAD exomes 0.00022 and 0.00043; ExAC 0.00028; TOPMed 0.00032; gnomAD 0.00038 and 0.00039; ESP Exome Variant Server 0.00019.
gnomAD v4.1: 465 of 1,117,503 alleles (0.042%); highest among the groups gnomAD compares: Admixed American, 0.053%; 1 homozygote.

Submissions (6):

Ambry Genetics
Classification: Uncertain significance for Inborn genetic diseases. Last evaluated: 2025-02-21. Review status: criteria provided, single submitter. Criteria: Ambry Variant Classification Scheme 2023. Collection method: clinical testing. Allele origin: germline.

Labcorp Genetics (formerly Invitae), Labcorp
Classification: Uncertain significance for Glycogen storage disease IXd. Last evaluated: 2024-11-18. Review status: criteria provided, single submitter. Criteria: Invitae Variant Classification Sherloc (09022015). Collection method: clinical testing. Allele origin: germline.
Comment: This sequence change replaces alanine, which is neutral and non-polar, with valine, which is neutral and non-polar, at codon 179 of the PHKA1 protein (p.Ala179Val). This variant is present in population databases (rs199608903, gnomAD 0.04%), and has an allele count higher than expected for a pathogenic variant. This variant has not been reported in the literature in individuals affected with PHKA1-related conditions. ClinVar contains an entry for this variant (Variation ID: 913677). An algorithm developed to predict the effect of missense changes on protein structure and function (PolyPhen-2) suggests that this variant is likely to be disruptive. In summary, the available evidence is currently insufficient to determine the role of this variant in disease. Therefore, it has been classified as a Variant of Uncertain Significance.

ARUP Laboratories, Molecular Genetics and Genomics, ARUP Laboratories
Classification: Uncertain significance for Glycogen storage disease IXd. Last evaluated: 2024-01-10. Review status: criteria provided, single submitter. Criteria: ARUP Molecular Germline Variant Investigation Process 2024. Collection method: clinical testing. Allele origin: germline.
Comment: The PHKA1 c.536C>T; p.Ala179Val variant (rs199608903), to our knowledge, is not reported in the medical literature but is reported in ClinVar (Variation ID: 913677). This variant is found in the general population with an overall allele frequency of 0.02% (41/202,174 alleles) in the Genome Aggregation Database (v2.1.1). Computational analyses predict that this variant is deleterious (REVEL: 0.879). However, given the lack of clinical and functional data, the significance of this variant is uncertain at this time.

Baylor Genetics
Classification: Uncertain significance for Glycogen storage disease IXd. Last evaluated: 2023-07-18. Review status: criteria provided, single submitter. Criteria: ACMG Guidelines, 2015. Collection method: clinical testing. Allele origin: unknown.

GeneDx
Classification: Uncertain significance. Last evaluated: 2022-08-17. Review status: criteria provided, single submitter. Criteria: GeneDx Variant Classification Process June 2021. Collection method: clinical testing. Allele origin: germline. Affected: yes.
Comment: In silico analysis supports that this missense variant has a deleterious effect on protein structure/function; Has not been previously published as pathogenic or benign to our knowledge

Illumina Laboratory Services, Illumina
Classification: Benign for Glycogen storage disease IXd. Last evaluated: 2017-04-27. Review status: criteria provided, single submitter. Criteria: ICSL Variant Classification Criteria 13 December 2019. Collection method: clinical testing. Allele origin: germline.
Comment: This variant was observed as part of a predisposition screen in an ostensibly healthy population. A literature search was performed for the gene, cDNA change, and amino acid change (where applicable). No publications were found based on this search. Allele frequency data from public databases was too high to be consistent with this variant causing disease. Therefore, this variant is classified as benign.